The following is an entry in ClinVar:

NM_130384.3(ATRIP):c.312A>T (p.Glu104Asp)

Genes: ATRIP (ATR interacting protein; plus strand), ATRIP-TREX1 (ATRIP-TREX1 readthrough; plus strand). Cytogenetic location: 3p21.31.
Variant type: single nucleotide variant.
Coding change: c.312A>T on transcript NM_130384.3 (MANE Select); coding-DNA position 312, A replaced by T.
Protein change: p.Glu104Asp; replaces glutamic acid 104 with aspartic acid.
Molecular consequence: missense variant. On other transcripts: non-coding transcript variant (1), 5 prime UTR variant (1).
Genome position (GRCh38, 1-based): chr3:48,450,101, A>T. VCF-style: chr3-48450101-A-T. GRCh37 (hg19) VCF-style: chr3-48491507-A-T.
Other names: c.-153A>T (NM_001271022.2); c.33A>T, p.Glu11Asp (NM_001271023.2); c.312A>T, p.Glu104Asp (NM_032166.4); short protein forms E104D, E11D.
Identifiers: ClinVar variation 3464701 (VCV003464701.1).

ClinVar aggregate classification (germline): Uncertain significance (1 of 4 stars; one submission).

Submission:

Ambry Genetics
Classification: Uncertain significance. Last evaluated: 2024-11-28. Review status: criteria provided, single submitter. Criteria: Ambry Variant Classification Scheme 2023. Collection method: clinical testing. Allele origin: germline.
Comment: The p.E104D variant (also known as c.312A>T), located in coding exon 2 of the ATRIP gene, results from an A to T substitution at nucleotide position 312. The glutamic acid at codon 104 is replaced by aspartic acid, an amino acid with highly similar properties. This amino acid position is conserved. In addition, this alteration is predicted to be tolerated by in silico analysis. Based on the available evidence, the clinical significance of this variant remains unclear.